The following is an entry in ClinVar:

ClinVar aggregate classification (germline): Uncertain significance (1 of 4 stars; one submission).

Conditions:
Gastrointestinal stromal tumor. Also called: Gastrointestinal stromal tumor, somatic; Gastrointestinal stroma tumor. Identifiers: Orphanet 44890, MedGen C0238198, MeSH D046152, MONDO:0011719, OMIM 606764, HP:0100723.

Submission:

Labcorp Genetics (formerly Invitae), Labcorp
Classification: Uncertain significance for Gastrointestinal stromal tumor. Last evaluated: 2022-11-09. Review status: criteria provided, single submitter. Criteria: Invitae Variant Classification Sherloc (09022015). Collection method: clinical testing. Allele origin: germline.
Comment: In summary, the available evidence is currently insufficient to determine the role of this variant in disease. Therefore, it has been classified as a Variant of Uncertain Significance. Advanced modeling of protein sequence and biophysical properties (such as structural, functional, and spatial information, amino acid conservation, physicochemical variation, residue mobility, and thermodynamic stability) performed at Invitae indicates that this missense variant is not expected to disrupt PDGFRA protein function. This variant has not been reported in the literature in individuals affected with PDGFRA-related conditions. This variant is not present in population databases (gnomAD no frequency). This sequence change replaces glycine, which is neutral and non-polar, with alanine, which is neutral and non-polar, at codon 1017 of the PDGFRA protein (p.Gly1017Ala).

NM_006206.6(PDGFRA):c.3050G>C (p.Gly1017Ala)

Gene: PDGFRA (platelet derived growth factor receptor alpha; plus strand). Cytogenetic location: 4q12.
Variant type: single nucleotide variant.
Coding change: c.3050G>C on transcript NM_006206.6 (MANE Select); coding-DNA position 3050, G replaced by C.
Protein change: p.Gly1017Ala; replaces glycine 1017 with alanine.
Molecular consequence: missense variant.
Genome position (GRCh38, 1-based): chr4:54,290,482, G>C. VCF-style: chr4-54290482-G-C. GRCh37 (hg19) VCF-style: chr4-55156649-G-C.
Other names: c.3125G>C, p.Gly1042Ala (NM_001347828.2); c.3050G>C, p.Gly1017Ala (NM_001347829.2); c.3089G>C, p.Gly1030Ala (NM_001347830.2); short protein forms G1017A, G1030A, G1042A.
Identifiers: ClinVar variation 2857448 (VCV002857448.3), dbSNP rs2110348821, ClinGen allele CA356896275.